The following is an entry in ClinVar:

NM_003803.4(MYOM1):c.497T>C (p.Ile166Thr)

Gene: MYOM1 (myomesin 1; minus strand). Cytogenetic location: 18p11.31.
Variant type: single nucleotide variant.
Coding change: c.497T>C on transcript NM_003803.4 (MANE Select); coding-DNA position 497, T replaced by C.
Protein change: p.Ile166Thr; replaces isoleucine 166 with threonine.
Molecular consequence: missense variant.
Genome position (GRCh38, 1-based): chr18:3,189,022, A>G on the plus strand (T>C on the coding strand, the complement: MYOM1 is on the minus strand). VCF-style: chr18-3189022-A-G. GRCh37 (hg19) VCF-style: chr18-3189020-A-G.
Other names: c.497T>C, p.Ile166Thr (NM_019856.2); short protein forms I166T.
Identifiers: ClinVar variation 4860677 (VCV004860677.1).

ClinVar aggregate classification (germline): Uncertain significance (1 of 4 stars; one submission).

gnomAD v4.1: 39 of 1,613,754 alleles (0.0024%); highest among the groups gnomAD compares: Non-Finnish European, 0.00051%; no homozygotes.

Submission:

Ambry Genetics
Classification: Uncertain significance. Last evaluated: 2026-04-12. Review status: criteria provided, single submitter. Criteria: Ambry Variant Classification Scheme 2023. Collection method: clinical testing. Allele origin: germline.
Comment: The p.I166T variant (also known as c.497T>C), located in coding exon 3 of the MYOM1 gene, results from a T to C substitution at nucleotide position 497. The isoleucine at codon 166 is replaced by threonine, an amino acid with similar properties. This amino acid position is conserved. In addition, this alteration is predicted to be tolerated by in silico analysis. Based on the available evidence, the clinical significance of this variant remains unclear.